The following is an entry in ClinVar:

NM_001354604.2(MITF):c.*1248T>C

Gene: MITF (melanocyte inducing transcription factor; plus strand). Cytogenetic location: 3p13.
Variant type: single nucleotide variant.
Coding change: c.*1248T>C on transcript NM_001354604.2 (MANE Select); 1248 bases downstream of the stop codon, T replaced by C.
Molecular consequence: 3 prime UTR variant.
Genome position (GRCh38, 1-based): chr3:69,966,496, T>C. VCF-style: chr3-69966496-T-C. GRCh37 (hg19) VCF-style: chr3-70015647-T-C.
Other names: c.*1248T>C (NM_000248.4, NM_001184967.2, NM_198178.3 and 8 more transcripts).
Identifiers: ClinVar variation 346522 (VCV000346522.6), dbSNP rs2131025, ClinGen allele CA10619453.

ClinVar aggregate classification (germline): Benign. Review status: criteria provided, multiple submitters, no conflicts (2 of 4 stars). 3 submissions from 2 submitters: Benign (3). Last evaluated 2018-01-13.

Conditions:
Waardenburg syndrome type 2A (WS2A). Also called: WAARDENBURG SYNDROME WITHOUT DYSTOPIA CANTHORUM. Identifiers: Orphanet 3440, MedGen C1860339, MONDO:0008671, OMIM 193510.
Tietz syndrome (TADS). Also called: ALBINISM-DEAFNESS OF TIETZ; HYPOPIGMENTATION/DEAFNESS OF TIETZ; TIETZ ALBINISM-DEAFNESS SYNDROME. Identifiers: Orphanet 42665, MedGen C0391816, MONDO:0007077, OMIM 103500.

Allele frequency attached by ClinVar (database versions not stated): 1000 Genomes Project 0.04493; 1000 Genomes Project 30x 0.04560; TOPMed 0.07307; gnomAD 0.07429 and 0.07575; gnomAD exomes 0.09382.
gnomAD v4.1: 19,015 of 232,764 alleles (8.2%); highest among the groups gnomAD compares: Non-Finnish European, 11%; 976 homozygotes.

Submissions (3):

Illumina Laboratory Services, Illumina
Classification: Benign for Tietz syndrome. Last evaluated: 2018-01-13. Review status: criteria provided, single submitter. Criteria: ICSL Variant Classification Criteria 13 December 2019. Collection method: clinical testing. Allele origin: germline.
Comment: This variant was observed in the ICSL laboratory as part of a predisposition screen in an ostensibly healthy population. It had not been previously curated by ICSL or reported in the Human Gene Mutation Database (HGMD: prior to June 1st, 2018), and was therefore a candidate for classification through an automated scoring system. Utilizing variant allele frequency, disease prevalence and penetrance estimates, and inheritance mode, an automated score was calculated to assess if this variant is too frequent to cause the disease. Based on the score and internal cut-off values, a variant classified as benign is not then subjected to further curation. The score for this variant resulted in a classification of benign for this disease.

Illumina Laboratory Services, Illumina
Classification: Benign for Waardenburg syndrome type 2A. Last evaluated: 2018-01-13. Review status: criteria provided, single submitter. Criteria: ICSL Variant Classification Criteria 13 December 2019. Collection method: clinical testing. Allele origin: germline.
Comment: the same text as in the submission from Illumina Laboratory Services, Illumina above.

Breakthrough Genomics
Classification: Benign. Review status: criteria provided, single submitter. Criteria: ACMG Guidelines, 2015. Collection method: not provided. Allele origin: germline. Inheritance: Autosomal recessive inheritance. Affected: yes.